The following is an entry in ClinVar:

ClinVar aggregate classification (germline): Uncertain significance (1 of 4 stars; one submission).

Submission:

Labcorp Genetics (formerly Invitae), Labcorp
Classification: Uncertain significance. Last evaluated: 2025-09-26. Review status: criteria provided, single submitter. Criteria: Invitae Variant Classification Sherloc (09022015). Collection method: clinical testing. Allele origin: germline.
Comment: This sequence change replaces asparagine, which is neutral and polar, with lysine, which is basic and polar, at codon 154 of the KRT10 protein (p.Asn154Lys). This variant is not present in population databases (gnomAD no frequency). This variant has not been reported in the literature in individuals affected with KRT10-related conditions. Invitae Evidence Modeling of protein sequence and biophysical properties (such as structural, functional, and spatial information, amino acid conservation, physicochemical variation, residue mobility, and thermodynamic stability) has been performed for this missense variant. However, the output from this modeling did not meet the statistical confidence thresholds required to predict the impact of this variant on KRT10 protein function. This variant disrupts the p.Asn154 amino acid residue in KRT10. Other variant(s) that disrupt this residue have been determined to be pathogenic (PMID: 33081034; internal data). This suggests that this residue is clinically significant, and that variants that disrupt this residue are likely to be disease-causing. In summary, the available evidence is currently insufficient to determine the role of this variant in disease. Therefore, it has been classified as a Variant of Uncertain Significance.

Literature cited by the submitters: PubMed 33081034.

NM_000421.5(KRT10):c.462T>A (p.Asn154Lys)

Genes: KRT10 (keratin 10; minus strand), KRT10-AS1 (KRT10 antisense RNA 1; plus strand). Cytogenetic location: 17q21.2.
Variant type: single nucleotide variant.
Coding change: c.462T>A on transcript NM_000421.5 (MANE Select); coding-DNA position 462, T replaced by A.
Protein change: p.Asn154Lys; replaces asparagine 154 with lysine.
Molecular consequence: missense variant.
Genome position (GRCh38, 1-based): chr17:40,822,124, A>T on the plus strand (T>A on the coding strand, the complement: KRT10 is on the minus strand). VCF-style: chr17-40822124-A-T. GRCh37 (hg19) VCF-style: chr17-38978376-A-T.
Other names: c.462T>A, p.Asn154Lys (NM_001379366.1); short protein forms N154K.
Identifiers: ClinVar variation 4716730 (VCV004716730.1).